The following is an entry in ClinVar:

NM_005751.5(AKAP9):c.5977C>T (p.Gln1993Ter)

Gene: AKAP9 (A-kinase anchoring protein 9; plus strand). Cytogenetic location: 7q21.2.
Variant type: single nucleotide variant.
Coding change: c.5977C>T on transcript NM_005751.5 (MANE Select); coding-DNA position 5977, C replaced by T.
Protein change: p.Gln1993Ter; replaces glutamine 1993 with a stop codon.
Molecular consequence: nonsense.
Genome position (GRCh38, 1-based): chr7:92,062,486, C>T. VCF-style: chr7-92062486-C-T. GRCh37 (hg19) VCF-style: chr7-91691800-C-T.
Other names: c.622C>T, p.Gln208Ter (NM_001379277.1); c.5977C>T, p.Gln1993Ter (NM_147185.3); short protein forms Q1993*, Q208*.
Identifiers: ClinVar variation 3606499 (VCV003606499.2), dbSNP rs786205714.

ClinVar aggregate classification (germline): Uncertain significance (1 of 4 stars; one submission).

Conditions:
Long QT syndrome (LQTS). Identifiers: MedGen C0023976, MeSH D008133, MONDO:0002442. Disease mechanism: loss of function. Inheritance: Various modes of inheritance.

gnomAD v4.1: 8 of 1,611,806 alleles (0.0005%); highest among the groups gnomAD compares: Non-Finnish European, 0.00068%; no homozygotes.

Submission:

Labcorp Genetics (formerly Invitae), Labcorp
Classification: Uncertain significance for Long QT syndrome. Last evaluated: 2024-07-21. Review status: criteria provided, single submitter. Criteria: Invitae Variant Classification Sherloc (09022015). Collection method: clinical testing. Allele origin: germline.
Comment: This sequence change creates a premature translational stop signal (p.Gln1993*) in the AKAP9 gene. It is expected to result in an absent or disrupted protein product. However, the current clinical and genetic evidence is not sufficient to establish whether loss-of-function variants in AKAP9 cause disease. This variant is present in population databases (rs786205714, gnomAD 0.002%). This premature translational stop signal has been observed in individual(s) with early-onset atrial fibrillation (PMID: 34495297). In summary, the available evidence is currently insufficient to determine the role of this variant in disease. Therefore, it has been classified as a Variant of Uncertain Significance.

Literature cited by the submitters: PubMed 34495297.